The following is an entry in ClinVar:

NM_004706.4(ARHGEF1):c.1366_1367delinsTT (p.Glu456Leu)

Gene: ARHGEF1 (Rho guanine nucleotide exchange factor 1; plus strand). Cytogenetic location: 19q13.2.
Variant type: Indel.
Coding change: c.1366_1367delinsTT on transcript NM_004706.4 (MANE Select); coding-DNA positions 1366 to 1367, GA replaced by TT.
Protein change: p.Glu456Leu; replaces glutamic acid 456 with leucine.
Molecular consequence: missense variant. On other transcripts: non-coding transcript variant (2).
Genome position (GRCh38, 1-based): chr19:41,901,985-41,901,986, GA replaced by TT. VCF-style: chr19-41901985-GA-TT. GRCh37 (hg19) VCF-style: chr19-42406135-GA-TT.
Other names: c.1534_1535delinsTT, p.Glu512Leu (NM_001396000.1); c.1267_1268delinsTT, p.Glu423Leu (NM_001396002.1, NM_001396004.1, NM_198977.2); c.1366_1367delinsTT, p.Glu456Leu (NM_001396003.1, NM_001396006.1); c.1411_1412delinsTT, p.Glu471Leu (NM_199002.2); short protein forms E512L, E423L, E456L, E471L.
Identifiers: ClinVar variation 2853354 (VCV002853354.3), dbSNP rs2513881106, ClinGen allele CA2739276844.
Genomic context (GRCh38, chr19:41,901,985, plus strand): 5'-CGGGTGCTGCACGACCTCTTCTTCCAGCCCATGGCAGAATGCCTGTTCTTCCCCTTGGAG[GA>TT]GCTGCAGAACATCTTCCCCAGCCTGGACGAGCTCATCGAGGTGCATTGTGAGTGCAGAGC-3'
Protein context (NP_004697.2, residues 446-466): MAECLFFPLE[Glu456Leu]LQNIFPSLDE

ClinVar aggregate classification (germline): Uncertain significance (1 of 4 stars; one submission).

Submission:

Labcorp Genetics (formerly Invitae), Labcorp
Classification: Uncertain significance. Last evaluated: 2024-12-02. Review status: criteria provided, single submitter. Criteria: Invitae Variant Classification Sherloc (09022015). Collection method: clinical testing. Allele origin: germline.
Comment: This sequence change replaces glutamic acid, which is acidic and polar, with leucine, which is neutral and non-polar, at codon 471 of the ARHGEF1 protein (p.Glu471Leu). Information on the frequency of this variant in the gnomAD database is not available, as this variant may be reported differently in the database. This variant has not been reported in the literature in individuals affected with ARHGEF1-related conditions. ClinVar contains an entry for this variant (Variation ID: 2853354). An algorithm developed to predict the effect of missense changes on protein structure and function (PolyPhen-2) suggests that this variant is likely to be tolerated. In summary, the available evidence is currently insufficient to determine the role of this variant in disease. Therefore, it has been classified as a Variant of Uncertain Significance.